The following is an entry in ClinVar:

ClinVar aggregate classification (germline): Uncertain significance. Review status: criteria provided, multiple submitters, no conflicts (2 of 4 stars). 3 submissions from 3 submitters: Uncertain significance (3). Last evaluated 2026-01-01.

Allele frequency attached by ClinVar (database versions not stated): ExAC 0.00001; TOPMed 0.00001.
gnomAD v4.1: 24 of 1,614,202 alleles (0.0015%); highest among the groups gnomAD compares: Non-Finnish European, 0.0017%; no homozygotes.

Submissions (3):

CeGaT Center for Human Genetics Tuebingen
Classification: Uncertain significance. Last evaluated: 2026-01-01. Review status: criteria provided, single submitter. Criteria: CeGaT Center For Human Genetics Tuebingen Variant Classification Criteria Version 2. Collection method: clinical testing. Allele origin: germline. Affected: yes. Observed: 1 variant allele.
Comment: FAT2: PM2, PP2, BP4

Ambry Genetics
Classification: Uncertain significance. Last evaluated: 2024-12-03. Review status: criteria provided, single submitter. Criteria: Ambry Variant Classification Scheme 2023. Collection method: clinical testing. Allele origin: germline.

Labcorp Genetics (formerly Invitae), Labcorp
Classification: Uncertain significance. Last evaluated: 2024-08-31. Review status: criteria provided, single submitter. Criteria: Invitae Variant Classification Sherloc (09022015). Collection method: clinical testing. Allele origin: germline.
Comment: This sequence change replaces glutamic acid, which is acidic and polar, with lysine, which is basic and polar, at codon 3157 of the FAT2 protein (p.Glu3157Lys). This variant is present in population databases (rs770443495, gnomAD 0.002%). This variant has not been reported in the literature in individuals affected with FAT2-related conditions. ClinVar contains an entry for this variant (Variation ID: 2170519). Invitae Evidence Modeling of protein sequence and biophysical properties (such as structural, functional, and spatial information, amino acid conservation, physicochemical variation, residue mobility, and thermodynamic stability) indicates that this missense variant is not expected to disrupt FAT2 protein function with a negative predictive value of 80%. In summary, the available evidence is currently insufficient to determine the role of this variant in disease. Therefore, it has been classified as a Variant of Uncertain Significance.

NM_001447.3(FAT2):c.9469G>A (p.Glu3157Lys)

Genes: SLC36A1 (solute carrier family 36 member 1; plus strand), FAT2 (FAT atypical cadherin 2; minus strand). Cytogenetic location: 5q33.1.
Variant type: single nucleotide variant.
Coding change: c.9469G>A on transcript NM_001447.3 (MANE Select); coding-DNA position 9469, G replaced by A.
Protein change: p.Glu3157Lys; replaces glutamic acid 3157 with lysine.
Molecular consequence: missense variant.
Genome position (GRCh38, 1-based): chr5:151,531,929, C>T on the plus strand (G>A on the coding strand, the complement: FAT2 is on the minus strand). VCF-style: chr5-151531929-C-T. GRCh37 (hg19) VCF-style: chr5-150911490-C-T.
Other names: c.9469G>A (NM_001447.2); short protein forms E3157K.
Identifiers: ClinVar variation 2170519 (VCV002170519.9), dbSNP rs770443495, ClinGen allele CA3520534.